The following is an entry in ClinVar:

NM_002661.5(PLCG2):c.1234G>C (p.Glu412Gln)

Gene: PLCG2 (phospholipase C gamma 2; plus strand). Cytogenetic location: 16q23.3.
Variant type: single nucleotide variant.
Coding change: c.1234G>C on transcript NM_002661.5 (MANE Select); coding-DNA position 1234, G replaced by C.
Protein change: p.Glu412Gln; replaces glutamic acid 412 with glutamine.
Molecular consequence: missense variant.
Genome position (GRCh38, 1-based): chr16:81,900,652, G>C. VCF-style: chr16-81900652-G-C. GRCh37 (hg19) VCF-style: chr16-81934257-G-C.
Other names: short protein forms E412Q.
Identifiers: ClinVar variation 854082 (VCV000854082.1), dbSNP rs1909110302, ClinGen allele CA396899276.

ClinVar aggregate classification (germline): Uncertain significance (1 of 4 stars; one submission).

Conditions:
Familial cold autoinflammatory syndrome 3 (FCAS3). Also called: FAMILIAL ATYPICAL COLD URTICARIA; ANTIBODY DEFICIENCY AND IMMUNE DYSREGULATION, PLCG2-ASSOCIATED. Identifiers: Orphanet 300359, MedGen C3280914, MONDO:0013766, OMIM 614468.

Submission:

Labcorp Genetics (formerly Invitae), Labcorp
Classification: Uncertain significance for Familial cold autoinflammatory syndrome 3. Last evaluated: 2019-04-20. Review status: criteria provided, single submitter. Criteria: Invitae Variant Classification Sherloc (09022015). Collection method: clinical testing. Allele origin: germline.
Comment: This sequence change replaces glutamic acid with glutamine at codon 412 of the PLCG2 protein (p.Glu412Gln). The glutamic acid residue is highly conserved and there is a small physicochemical difference between glutamic acid and glutamine. This variant is not present in population databases (ExAC no frequency). This variant has not been reported in the literature in individuals with PLCG2-related conditions. Algorithms developed to predict the effect of missense changes on protein structure and function output the following: SIFT: "Tolerated"; PolyPhen-2: "Benign"; Align-GVGD: "Class C0". The glutamine amino acid residue is found in multiple mammalian species, suggesting that this missense change does not adversely affect protein function. These predictions have not been confirmed by published functional studies and their clinical significance is uncertain. In summary, the available evidence is currently insufficient to determine the role of this variant in disease. Therefore, it has been classified as a Variant of Uncertain Significance.